The following is an entry in ClinVar:

NM_002907.4(RECQL):c.1841_1844dup (p.Met615fs)

Genes: PYROXD1 (pyridine nucleotide-disulphide oxidoreductase domain 1; plus strand), RECQL (RecQ like helicase; minus strand). Cytogenetic location: 12p12.1.
Variant type: Duplication.
Coding change: c.1841_1844dup on transcript NM_002907.4 (MANE Select); coding-DNA positions 1841 to 1844, 4 bases duplicated (AGAT; older notation c.1841_1844dupAGAT).
Protein change: p.Met615fs; shifts the reading frame from methionine 615.
Molecular consequence: frameshift variant. On other transcripts: 3 prime UTR variant (3).
Genome position (GRCh38, 1-based): chr12:21,470,300-21,470,303, ATCT duplicated on the plus strand (AGAT on the coding strand, the reverse complement: RECQL is on the minus strand). VCF-style (leftmost placement, unchanged base first): chr12-21470299-C-CATCT. GRCh37 (hg19) VCF-style: chr12-21623233-C-CATCT.
Other names: c.1841_1844dup, p.Met615fs (NM_032941.3); c.*1546_*1549dup (NM_001350912.2, NM_001350913.2, NM_024854.5); short protein forms M615fs.
Identifiers: ClinVar variation 1781158 (VCV001781158.3), dbSNP rs2540306221, ClinGen allele CA2482332777.

ClinVar aggregate classification (germline): Uncertain significance (1 of 4 stars; one submission).

Allele frequency attached by ClinVar (database versions not stated): gnomAD exomes below 0.00001.

Submission:

Ambry Genetics
Classification: Uncertain significance. Last evaluated: 2026-08-05. Review status: criteria provided, single submitter. Criteria: Ambry Variant Classification Scheme 2023. Collection method: clinical testing. Allele origin: germline.
Comment: The c.1841_1844dupAGAT variant, located in coding exon 14 of the RECQL gene, results from a duplication of AGAT at nucleotide position 1841, causing a translational frameshift with a predicted alternate stop codon (p.M615Ifs*24). This variant occurs at the 3' terminus of the gene and is not expected to trigger nonsense-mediated mRNA decay. Based on the available evidence, the clinical significance of this variant remains unclear.

Literature cited by the submitters: PubMed 30224651.